The following is an entry in ClinVar:

NM_001035.3(RYR2):c.2635G>C (p.Glu879Gln)

Gene: RYR2 (ryanodine receptor 2; plus strand). Cytogenetic location: 1q43.
Variant type: single nucleotide variant.
Coding change: c.2635G>C on transcript NM_001035.3 (MANE Select); coding-DNA position 2635, G replaced by C.
Protein change: p.Glu879Gln; replaces glutamic acid 879 with glutamine.
Molecular consequence: missense variant.
Genome position (GRCh38, 1-based): chr1:237,506,731, G>C. VCF-style: chr1-237506731-G-C. GRCh37 (hg19) VCF-style: chr1-237670031-G-C.
Other names: c.2635G>C, p.Glu879Gln (LRG_402t1); short protein forms E879Q.
Identifiers: ClinVar variation 629492 (VCV000629492.5), dbSNP rs576214225, ClinGen allele CA086098.

ClinVar aggregate classification (germline): Uncertain significance. Review status: criteria provided, multiple submitters, no conflicts (2 of 4 stars). 2 submissions from 2 submitters: Uncertain significance (2). Last evaluated 2024-03-06.

Conditions:
Catecholaminergic polymorphic ventricular tachycardia (CVPT). Also called: Catecholamine-induced polymorphic ventricular tachycardia. Identifiers: Orphanet 3286, MedGen C5574922, MONDO:0017990.
Cardiomyopathy (CMYO). Also called: Cardiomyopathies. Identifiers: Orphanet 167848, MedGen C0878544, MONDO:0004994, HP:0001638. Inheritance: Various modes of inheritance.

Allele frequency attached by ClinVar (database versions not stated): gnomAD exomes below 0.00001; ExAC 0.00001; gnomAD 0.00001; 1000 Genomes Project 30x 0.00016; 1000 Genomes Project 0.00020.
gnomAD v4.1: 2 of 1,612,858 alleles (0.00012%); highest among the groups gnomAD compares: Admixed American, 0.0017%; no homozygotes.

Submissions (2):

Color Diagnostics, LLC DBA Color Health
Classification: Uncertain significance for Cardiomyopathy. Last evaluated: 2024-03-06. Review status: criteria provided, single submitter. Criteria: ACMG Guidelines, 2015. Collection method: clinical testing. Allele origin: germline.
Comment: This missense variant replaces glutamic acid with glutamine at codon 879 of the RYR2 protein. Computational prediction suggests that this variant may have deleterious impact on protein structure and function (internally defined REVEL score threshold >= 0.7, PMID: 27666373). To our knowledge, functional studies have not been reported for this variant. This variant has not been reported in individuals affected with RYR2-related disorders in the literature. This variant has been identified in 1/245192 chromosomes in the general population by the Genome Aggregation Database (gnomAD). The available evidence is insufficient to determine the role of this variant in disease conclusively. Therefore, this variant is classified as a Variant of Uncertain Significance.

All of Us Research Program, National Institutes of Health
Classification: Uncertain significance for Catecholaminergic polymorphic ventricular tachycardia. Last evaluated: 2023-05-04. Review status: criteria provided, single submitter. Criteria: ACMG Guidelines, 2015. Collection method: clinical testing. Allele origin: germline. Inheritance: Autosomal dominant inheritance. Observed: 1 variant allele, 1 heterozygote.
Comment: Variant of Uncertain Significance due to insufficient evidence: This missense variant is located in the cytoplasmic domain of the RYR2 protein. Computational prediction tools and conservation analyses suggest that this variant may have deleterious impact on the protein function. Computational splicing tools suggest that this variant may not impact RNA splicing. To our knowledge, functional assays have not been performed for this variant nor has this variant been reported in individuals affected with cardiovascular disorders in the literature. This variant has been identified in 1/245192 chromosomes in the general population by the Genome Aggregation Database (gnomAD). Available evidence is insufficient to determine the pathogenicity of this variant conclusively.

This study involves interpretation of variants in research participants for the purpose of population health screening. Participant phenotype was not available at the time of variant classification. Additional details can be found in publication PMID: 35346344, PMCID: PMC8962531